The following is an entry in ClinVar:

ClinVar aggregate classification (germline): Likely benign (1 of 4 stars; one submission).

Conditions:
Familial colorectal cancer type X. Identifiers: Orphanet 440437, MedGen C3896578, MONDO:0018604.

Submission:

Myriad Genetics, Inc.
Classification: Likely benign for Familial colorectal cancer type X. Last evaluated: 2026-07-31. Review status: criteria provided, single submitter. Criteria: Myriad Autosomal Dominant, Autosomal Recessive and X-Linked Classification Criteria (2023). Collection method: clinical testing. Allele origin: unknown.
Comment: This variant is considered likely benign. This variant is intronic and is not expected to impact mRNA splicing.

NM_001023.4(RPS20):c.104-10T>C

Gene: RPS20 (ribosomal protein S20; minus strand). Cytogenetic location: 8q12.1.
Variant type: single nucleotide variant.
Coding change: c.104-10T>C on transcript NM_001023.4 (MANE Select); 10 bases into the intron before coding-DNA position 104, T replaced by C.
Molecular consequence: intron variant.
Genome position (GRCh38, 1-based): chr8:56,073,778, A>G on the plus strand (T>C on the coding strand, the complement: RPS20 is on the minus strand). VCF-style: chr8-56073778-A-G. GRCh37 (hg19) VCF-style: chr8-56986337-A-G.
Other names: c.104-10T>C (NM_001146227.3).
Identifiers: ClinVar variation 5042391 (VCV005042391.1).
Genomic context (GRCh38, chr8:56,073,778, plus strand): 5'-CTTTCACTTTGAGATTCTTTTCTTTTGCGCCTCTTATCAAGTCAGCACACACTACAGGAA[A>G]TAAAAGACCTCTCAGTATAATCGAAACAATTAAAATCGGCTTAAGGCCTTCACTTCTGCT-3'